The following is an entry in ClinVar:

NM_012123.4(MTO1):c.632G>T (p.Gly211Val)

Gene: MTO1 (mitochondrial tRNA translation optimization 1; plus strand). Cytogenetic location: 6q13.
Variant type: single nucleotide variant.
Coding change: c.632G>T on transcript NM_012123.4 (MANE Select); coding-DNA position 632, G replaced by T.
Protein change: p.Gly211Val; replaces glycine 211 with valine.
Molecular consequence: missense variant.
Genome position (GRCh38, 1-based): chr6:73,473,461, G>T. VCF-style: chr6-73473461-G-T. GRCh37 (hg19) VCF-style: chr6-74183184-G-T.
Other names: c.632G>T, p.Gly211Val (NM_001123226.2, NM_133645.3); short protein forms G211V.
Identifiers: ClinVar variation 3623213 (VCV003623213.2).
Genomic context (GRCh38, chr6:73,473,461, plus strand): 5'-TGACTACTGGGACATTTCTGAGAGGCATGATTGTAATTGGATTGGAGACGCATCCAGCAG[G>T]ACGTTTAGGGGATCAGCCTTCTATAGGATTGGCTCAGACACTGGAGAAGTTAGGGTTTGT-3'
Protein context (NP_036255.2, residues 201-221): IVIGLETHPA[Gly211Val]RLGDQPSIGL

ClinVar aggregate classification (germline): Uncertain significance (1 of 4 stars; one submission).

Conditions:
Mitochondrial hypertrophic cardiomyopathy with lactic acidosis due to MTO1 deficiency. Also called: Combined oxidative phosphorylation deficiency 10; CARDIOMYOPATHY, INFANTILE HYPERTROPHIC MITOCHONDRIAL, AND LACTIC ACIDOSIS. Identifiers: Orphanet 314637, MedGen C4749921, MONDO:0013865, OMIM 614702.

gnomAD v4.1: 1 of 1,614,040 alleles (0.000062%); highest among the groups gnomAD compares: Admixed American, 0.0017%; no homozygotes.

Submission:

Labcorp Genetics (formerly Invitae), Labcorp
Classification: Uncertain significance for Mitochondrial hypertrophic cardiomyopathy with lactic acidosis due to MTO1 deficiency. Last evaluated: 2024-04-05. Review status: criteria provided, single submitter. Criteria: Invitae Variant Classification Sherloc (09022015). Collection method: clinical testing. Allele origin: germline.
Comment: This sequence change replaces glycine, which is neutral and non-polar, with valine, which is neutral and non-polar, at codon 211 of the MTO1 protein (p.Gly211Val). This variant is not present in population databases (gnomAD no frequency). This variant has not been reported in the literature in individuals affected with MTO1-related conditions. Advanced modeling of protein sequence and biophysical properties (such as structural, functional, and spatial information, amino acid conservation, physicochemical variation, residue mobility, and thermodynamic stability) performed at Invitae indicates that this missense variant is expected to disrupt MTO1 protein function with a positive predictive value of 80%. Algorithms developed to predict the effect of sequence changes on RNA splicing suggest that this variant may create or strengthen a splice site. In summary, the available evidence is currently insufficient to determine the role of this variant in disease. Therefore, it has been classified as a Variant of Uncertain Significance.